The following is an entry in ClinVar:

NM_001018005.2(TPM1):c.371A>G (p.Glu124Gly)

Gene: TPM1 (tropomyosin 1; plus strand). Cytogenetic location: 15q22.2.
Variant type: single nucleotide variant.
Coding change: c.371A>G on transcript NM_001018005.2 (MANE Select); coding-DNA position 371, A replaced by G.
Protein change: p.Glu124Gly; replaces glutamic acid 124 with glycine.
Molecular consequence: missense variant.
Genome position (GRCh38, 1-based): chr15:63,057,115, A>G. VCF-style: chr15-63057115-A-G. GRCh37 (hg19) VCF-style: chr15-63349314-A-G.
Other names: c.371A>G, p.Glu124Gly (NM_001301244.2, NM_001365776.1, NM_001365777.1 and 20 more transcripts); c.263A>G, p.Glu88Gly (NM_001301289.2, NM_001330344.2, NM_001330346.2 and 9 more transcripts); c.497A>G, p.Glu166Gly (NM_001365778.1, NM_001407322.1, NM_001407323.1 and 1 more transcripts); c.371A>G (NM_001018005.1); short protein forms E124G, E166G, E88G.
Identifiers: ClinVar variation 1972069 (VCV001972069.8), dbSNP rs2034928659, ClinGen allele CA392721415.

ClinVar aggregate classification (germline): Uncertain significance. Review status: criteria provided, multiple submitters, no conflicts (2 of 4 stars). 3 submissions from 3 submitters: Uncertain significance (3). Last evaluated 2025-07-31.

Conditions:
Cardiovascular phenotype. Identifiers: MedGen CN230736.
Hypertrophic cardiomyopathy. Also called: HYPERTROPHIC MYOCARDIOPATHY. Identifiers: Orphanet 217569, MedGen C0007194, MeSH D002312, MONDO:0005045, HP:0001639.

Allele frequency attached by ClinVar (database versions not stated): TOPMed below 0.00001.

Submissions (3):

GeneDx
Classification: Uncertain significance. Last evaluated: 2025-07-31. Review status: criteria provided, single submitter. Criteria: GeneDx Variant Classification Process June 2021. Collection method: clinical testing. Allele origin: germline. Affected: yes.
Comment: Not observed at significant frequency in large population cohorts (gnomAD); In silico analysis supports that this missense variant has a deleterious effect on protein structure/function; Has not been previously published as pathogenic or benign to our knowledge

Labcorp Genetics (formerly Invitae), Labcorp
Classification: Uncertain significance for Hypertrophic cardiomyopathy. Last evaluated: 2023-11-11. Review status: criteria provided, single submitter. Criteria: Invitae Variant Classification Sherloc (09022015). Collection method: clinical testing. Allele origin: germline.
Comment: This sequence change replaces glutamic acid, which is acidic and polar, with glycine, which is neutral and non-polar, at codon 124 of the TPM1 protein (p.Glu124Gly). This variant is not present in population databases (gnomAD no frequency). This variant has not been reported in the literature in individuals affected with TPM1-related conditions. ClinVar contains an entry for this variant (Variation ID: 1972069). An algorithm developed to predict the effect of missense changes on protein structure and function (PolyPhen-2) suggests that this variant is likely to be disruptive. In summary, the available evidence is currently insufficient to determine the role of this variant in disease. Therefore, it has been classified as a Variant of Uncertain Significance.

Ambry Genetics
Classification: Uncertain significance for Cardiovascular phenotype. Last evaluated: 2023-04-03. Review status: criteria provided, single submitter. Criteria: Ambry Variant Classification Scheme 2023. Collection method: clinical testing. Allele origin: germline.
Comment: The p.E124G variant (also known as c.371A>G), located in coding exon 3 of the TPM1 gene, results from an A to G substitution at nucleotide position 371. The glutamic acid at codon 124 is replaced by glycine, an amino acid with similar properties. This amino acid position is conserved. In addition, this alteration is predicted to be deleterious by in silico analysis. Since supporting evidence is limited at this time, the clinical significance of this alteration remains unclear.